The following is an entry in ClinVar:

NM_000548.5(TSC2):c.4233C>A (p.Ser1411Arg)

Gene: TSC2 (TSC complex subunit 2; plus strand). Cytogenetic location: 16p13.3.
Variant type: single nucleotide variant.
Coding change: c.4233C>A on transcript NM_000548.5 (MANE Select); coding-DNA position 4233, C replaced by A.
Protein change: p.Ser1411Arg; replaces serine 1411 with arginine.
Molecular consequence: missense variant. On other transcripts: non-coding transcript variant (5).
Genome position (GRCh38, 1-based): chr16:2,084,455, C>A. VCF-style: chr16-2084455-C-A. GRCh37 (hg19) VCF-style: chr16-2134456-C-A.
Other names: c.4032C>A, p.Ser1344Arg (NM_001077183.3); c.4164C>A, p.Ser1388Arg (NM_001114382.3); c.3924C>A, p.Ser1308Arg (NM_001318827.2); c.3888C>A, p.Ser1296Arg (NM_001318829.2); c.3501C>A, p.Ser1167Arg (NM_001318831.2); c.4065C>A, p.Ser1355Arg (NM_001318832.2); c.4035C>A, p.Ser1345Arg (NM_001363528.2); c.4101C>A, p.Ser1367Arg (NM_001370404.1); and 26 more; short protein forms S1167R, S1188R, S1211R, S1295R, S1340R, S1341R, S1374R, S1388R.
Identifiers: ClinVar variation 2827102 (VCV002827102.3), dbSNP rs1060504090, ClinGen allele CA394300264.
Genomic context (GRCh38, chr16:2,084,455, plus strand): 5'-GCAGACTCTGCAGGACATCCTCGGGGACCCTGGGGACAAGGCCGACGTGGGCCGGCTGAG[C>A]CCTGAGGTTAAGGCCCGGTCACAGTCAGGGACCCTGGACGGGGAAAGTGCTGCCTGGTCG-3'
Protein context (NP_000539.2, residues 1401-1421): PGDKADVGRL[Ser1411Arg]PEVKARSQSG

ClinVar aggregate classification (germline): Uncertain significance (1 of 4 stars; one submission).

Conditions:
Tuberous sclerosis 2 (TSC2). Identifiers: Orphanet 805, MedGen C1860707, MONDO:0013199, OMIM 613254.

Submission:

Labcorp Genetics (formerly Invitae), Labcorp
Classification: Uncertain significance for Tuberous sclerosis 2. Last evaluated: 2023-01-08. Review status: criteria provided, single submitter. Criteria: Invitae Variant Classification Sherloc (09022015). Collection method: clinical testing. Allele origin: germline.
Comment: In summary, the available evidence is currently insufficient to determine the role of this variant in disease. Therefore, it has been classified as a Variant of Uncertain Significance. Advanced modeling of protein sequence and biophysical properties (such as structural, functional, and spatial information, amino acid conservation, physicochemical variation, residue mobility, and thermodynamic stability) performed at Invitae indicates that this missense variant is not expected to disrupt TSC2 protein function. This variant has not been reported in the literature in individuals affected with TSC2-related conditions. This variant is not present in population databases (gnomAD no frequency). This sequence change replaces serine, which is neutral and polar, with arginine, which is basic and polar, at codon 1411 of the TSC2 protein (p.Ser1411Arg).